The following is an entry in ClinVar:

ClinVar aggregate classification (germline): Uncertain significance (1 of 4 stars; one submission).

Conditions:
Intellectual developmental disorder, autosomal dominant 1. Also called: MBD5 Haploinsufficiency; Intellectual disability, autosomal dominant 1. Identifiers: Orphanet 228402, MedGen C1969562, MONDO:0007974, OMIM 156200.

Submission:

Labcorp Genetics (formerly Invitae), Labcorp
Classification: Uncertain significance for Intellectual developmental disorder, autosomal dominant 1. Last evaluated: 2025-09-29. Review status: criteria provided, single submitter. Criteria: Invitae Variant Classification Sherloc (09022015). Collection method: clinical testing. Allele origin: germline.
Comment: This sequence change replaces histidine, which is basic and polar, with glutamine, which is neutral and polar, at codon 1245 of the MBD5 protein (p.His1245Gln). This variant is not present in population databases (gnomAD no frequency). This variant has not been reported in the literature in individuals affected with MBD5-related conditions. Experimental studies and prediction algorithms are not available or were not evaluated, and the functional significance of this variant is currently unknown. In summary, the available evidence is currently insufficient to determine the role of this variant in disease. Therefore, it has been classified as a Variant of Uncertain Significance.

NM_001378120.1(MBD5):c.4434C>A (p.His1478Gln)

Gene: MBD5 (methyl-CpG binding domain protein 5; plus strand). Cytogenetic location: 2q23.1.
Variant type: single nucleotide variant.
Coding change: c.4434C>A on transcript NM_001378120.1 (MANE Select); coding-DNA position 4434, C replaced by A.
Protein change: p.His1478Gln; replaces histidine 1478 with glutamine.
Molecular consequence: missense variant.
Genome position (GRCh38, 1-based): chr2:148,490,066, C>A. VCF-style: chr2-148490066-C-A. GRCh37 (hg19) VCF-style: chr2-149247635-C-A.
Other names: c.4434C>A, p.His1478Gln (NM_001438854.1, NM_001438856.1, NM_001438857.1 and 1 more transcripts); c.3735C>A, p.His1245Gln (NM_001438855.1, NM_001438859.1, NM_001438860.1 and 3 more transcripts); short protein forms H1245Q, H1478Q.
Identifiers: ClinVar variation 4797870 (VCV004797870.1).